The following is an entry in ClinVar:

ClinVar aggregate classification (germline): Pathogenic (1 of 4 stars; one submission).

Conditions:
Joubert syndrome. Also called: JOUBERT-BOLTSHAUSER SYNDROME; Familial aplasia of the vermis. Identifiers: Orphanet 475, MedGen C5979921, MONDO:0018772.
Meckel-Gruber syndrome. Also called: DYSENCEPHALIA SPLANCHNOCYSTICA; GRUBER SYNDROME; Dysencephalia splachnocystica. Identifiers: Orphanet 564, MedGen C0265215, MONDO:0018921.

Submission:

Labcorp Genetics (formerly Invitae), Labcorp
Classification: Pathogenic for Joubert syndrome; Meckel-Gruber syndrome. Last evaluated: 2022-09-27. Review status: criteria provided, single submitter. Criteria: Invitae Variant Classification Sherloc (09022015). Collection method: clinical testing. Allele origin: germline.
Comment: For these reasons, this variant has been classified as Pathogenic. Algorithms developed to predict the effect of sequence changes on RNA splicing suggest that this variant may disrupt the consensus splice site. ClinVar contains an entry for this variant (Variation ID: 1401321). This variant has not been reported in the literature in individuals affected with CC2D2A-related conditions. This variant is not present in population databases (gnomAD no frequency). This sequence change creates a premature translational stop signal (p.Val318*) in the CC2D2A gene. It is expected to result in an absent or disrupted protein product. Loss-of-function variants in CC2D2A are known to be pathogenic (PMID: 19777577).

Literature cited by the submitters: PubMed 19777577.

NM_001378615.1(CC2D2A):c.948del (p.Gly317_Val318insTer)

Genes: CC2D2A (coiled-coil and C2 domain containing 2A; plus strand), FBXL5 (F-box and leucine rich repeat protein 5; minus strand). Cytogenetic location: 4p15.32.
Variant type: Deletion.
Coding change: c.948del on transcript NM_001378615.1 (MANE Select); coding-DNA position 948, one base deleted (C; older notation c.948delC).
Protein change: p.Gly317_Val318insTer.
Molecular consequence: frameshift variant.
Genome position (GRCh38, 1-based): chr4:15,515,935, C deleted; the last of 2 consecutive C bases (chr4:15,515,934-15,515,935); deleting either gives the same sequence. VCF-style (leftmost placement, unchanged base first): chr4-15515933-AC-A. GRCh37 (hg19) VCF-style: chr4-15517556-AC-A.
Other names: c.948del, p.Gly317_Val318insTer (NM_001080522.2); c.801del, p.Gly268_Val269insTer (NM_001378617.1).
Identifiers: ClinVar variation 1401321 (VCV001401321.6), dbSNP rs2109012834, ClinGen allele CA2573137606.
Genomic context (GRCh38, chr4:15,515,933, plus strand): 5'-ACATATAAAAAGCTTCCTGAGAATGTACAGCCCAGGTTCCTGGAAGATGAAGGCCTTTAC[AC>A]CGGGGTAAGACCAGAGGTGGCACGCACCAATCAGAACATCATGGAGAACAGATTGCTGAT-3'